The following is an entry in ClinVar:

ClinVar aggregate classification (germline): Uncertain significance (1 of 4 stars; one submission).

Conditions:
Pancreatic adenocarcinoma. Identifiers: MedGen C0281361, MONDO:0006047, HP:0006725.

Submission:

Labcorp Genetics (formerly Invitae), Labcorp
Classification: Uncertain significance for Pancreatic adenocarcinoma. Last evaluated: 2022-06-13. Review status: criteria provided, single submitter. Criteria: Invitae Variant Classification Sherloc (09022015). Collection method: clinical testing. Allele origin: germline.
Comment: In summary, the available evidence is currently insufficient to determine the role of this variant in disease. Therefore, it has been classified as a Variant of Uncertain Significance. Algorithms developed to predict the effect of missense changes on protein structure and function (SIFT, PolyPhen-2, Align-GVGD) all suggest that this variant is likely to be disruptive. This variant has not been reported in the literature in individuals affected with PALLD-related conditions. This variant is not present in population databases (gnomAD no frequency). This sequence change replaces histidine, which is basic and polar, with asparagine, which is neutral and polar, at codon 425 of the PALLD protein (p.His425Asn).

NM_001166108.2(PALLD):c.2785C>A (p.His929Asn)

Genes: CBR4 (carbonyl reductase 4; minus strand), PALLD (palladin, cytoskeletal associated protein; plus strand). Cytogenetic location: 4q32.3.
Variant type: single nucleotide variant.
Coding change: c.2785C>A on transcript NM_001166108.2 (MANE Select); coding-DNA position 2785, C replaced by A.
Protein change: p.His929Asn; replaces histidine 929 with asparagine.
Molecular consequence: missense variant.
Genome position (GRCh38, 1-based): chr4:168,915,962, C>A. VCF-style: chr4-168915962-C-A. GRCh37 (hg19) VCF-style: chr4-169837113-C-A.
Other names: c.1588C>A, p.His530Asn (NM_001166109.2); c.1273C>A, p.His425Asn (NM_001166110.2); c.613C>A, p.His205Asn (NM_001367567.1, NM_001367569.1); c.664C>A, p.His222Asn (NM_001367568.1, NM_001367570.1); c.2734C>A, p.His912Asn (NM_016081.4); short protein forms H205N, H530N, H222N, H929N, H425N, H912N.
Identifiers: ClinVar variation 2182556 (VCV002182556.4), dbSNP rs1760000762, ClinGen allele CA358706742.
Genomic context (GRCh38, chr4:168,915,962, plus strand): 5'-TCTAGATCAAGGGACAGTGGAGACGAAAATGAACCAATTCAGGAGCGATTCTTCAGACCT[C>A]ACTTCTTGCAGGCTCCTGGAGATCTGACTGTTCAAGAAGGAAAACTCTGCAGAATGGACT-3'
Protein context (NP_001159580.1, residues 919-939): EPIQERFFRP[His929Asn]FLQAPGDLTV